The following is an entry in ClinVar:

ClinVar aggregate classification (germline): Pathogenic. Review status: criteria provided, single submitter (1 of 4 stars). 2 submissions from 2 submitters: Pathogenic (1). 1 of the submissions does not count toward it. Last evaluated 2025-09-24.

Conditions:
NF1-related disorder. Also called: NF1-related condition. Identifiers: MedGen CN379171.
Neurofibromatosis, type 1 (NF1). Also called: VON RECKLINGHAUSEN DISEASE; Peripheral type neurofibromatosis; Neurofibromatosis, type I; NEUROFIBROMATOSIS, TYPE I, SOMATIC. Identifiers: Orphanet 636, MedGen C0027831, MONDO:0018975, OMIM 162200. Disease mechanism: loss of function.

Submissions (2):

Labcorp Genetics (formerly Invitae), Labcorp
Classification: Pathogenic for Neurofibromatosis, type 1. Last evaluated: 2025-09-24. Review status: criteria provided, single submitter. Criteria: Invitae Variant Classification Sherloc (09022015). Collection method: clinical testing. Allele origin: germline.
Comment: This sequence change creates a premature translational stop signal (p.Phe738Serfs*10) in the NF1 gene. It is expected to result in an absent or disrupted protein product. Loss-of-function variants in NF1 are known to be pathogenic (PMID: 10712197, 23913538). This variant is not present in population databases (gnomAD no frequency). This variant has not been reported in the literature in individuals affected with NF1-related conditions. ClinVar contains an entry for this variant (Variation ID: 3346753). For these reasons, this variant has been classified as Pathogenic.

PreventionGenetics, part of Exact Sciences
Classification: Pathogenic for NF1-related condition. Last evaluated: 2024-07-24. Review status: no assertion criteria provided. Collection method: clinical testing. Allele origin: germline. Not counted in ClinVar's aggregate classification.
Comment: The NF1 c.2213delT variant is predicted to result in a frameshift and premature protein termination (p.Phe738Serfs*10). To our knowledge, this variant has not been previously reported in the literature or in a large population database, indicating this variant is rare. Frameshift variants in NF1 are expected to be pathogenic. This variant is interpreted as pathogenic.

Literature cited by the submitters: PubMed 10712197 (cited by Labcorp Genetics (formerly Invitae), Labcorp); PubMed 23913538 (cited by Labcorp Genetics (formerly Invitae), Labcorp).

NM_001042492.3(NF1):c.2213del (p.Phe738fs)

Gene: NF1 (neurofibromin 1; plus strand). Cytogenetic location: 17q11.2.
Variant type: Deletion.
Coding change: c.2213del on transcript NM_001042492.3 (MANE Select); coding-DNA position 2213, one base deleted (T; older notation c.2213delT).
Protein change: p.Phe738fs; shifts the reading frame from phenylalanine 738.
Molecular consequence: frameshift variant.
Genome position (GRCh38, 1-based): chr17:31,226,646, T deleted; the last of 2 consecutive T bases (chr17:31,226,645-31,226,646); deleting either gives the same sequence. VCF-style (leftmost placement, unchanged base first): chr17-31226644-AT-A. GRCh37 (hg19) VCF-style: chr17-29553662-AT-A.
Other names: c.2213delT, p.Phe738Serfs (NM_000267.4); short protein forms F738fs.
Identifiers: ClinVar variation 3346753 (VCV003346753.2).
Genomic context (GRCh38, chr17:31,226,644, plus strand): 5'-AGATATCCGGTGTGGGGTGGATGAAGTGTCAGTGCATAACCTCTTGCCCAACTATAACAC[AT>A]TCATGGAGTTTGCCTCTGTCAGCAATATGATGTCAACAGGTAAATGTGAATAGTGGTTTT-3'